The following is an entry in ClinVar:

NM_004415.4(DSP):c.5353_5355delinsAAA (p.Glu1785Lys)

Gene: DSP (desmoplakin; plus strand). Cytogenetic location: 6p24.3.
Variant type: Indel.
Coding change: c.5353_5355delinsAAA on transcript NM_004415.4 (MANE Select); coding-DNA positions 5353 to 5355, GAG replaced by AAA.
Protein change: p.Glu1785Lys; replaces glutamic acid 1785 with lysine.
Molecular consequence: missense variant. On other transcripts: intron variant (2).
Genome position (GRCh38, 1-based): chr6:7,581,543-7,581,545, GAG replaced by AAA. VCF-style: chr6-7581543-GAG-AAA. GRCh37 (hg19) VCF-style: chr6-7581776-GAG-AAA.
Other names: c.4051-1099_4051-1097delinsAAA (NM_001319034.2); c.3583-1099_3583-1097delinsAAA (NM_001008844.3); short protein forms E1785K.
Identifiers: ClinVar variation 925901 (VCV000925901.4), dbSNP rs1759442103, ClinGen allele CA913188210.

ClinVar aggregate classification (germline): Uncertain significance (1 of 4 stars; one submission).

Conditions:
Cardiomyopathy (CMYO). Also called: Cardiomyopathies. Identifiers: Orphanet 167848, MedGen C0878544, MONDO:0004994, HP:0001638. Inheritance: Various modes of inheritance.

Submission:

Color Diagnostics, LLC DBA Color Health
Classification: Uncertain significance for Cardiomyopathy. Last evaluated: 2024-03-06. Review status: criteria provided, single submitter. Criteria: ACMG Guidelines, 2015. Collection method: clinical testing. Allele origin: germline.
Comment: This missense variant replaces glutamic acid with lysine at codon 1785 of the DSP protein. Computational prediction is inconclusive regarding the impact of this variant on protein structure and function (internally defined REVEL score threshold 0.5 < inconclusive < 0.7, PMID: 27666373). To our knowledge, functional studies have not been reported for this variant. This variant has not been reported in individuals affected with cardiovascular disorders in the literature. This variant has not been identified in the general population by the Genome Aggregation Database (gnomAD). The available evidence is insufficient to determine the role of this variant in disease conclusively. Therefore, this variant is classified as a Variant of Uncertain Significance.